The following is an entry in ClinVar:

ClinVar aggregate classification (germline): Uncertain significance (0 of 4 stars; one submission).

Conditions:
RPGRIP1L-related disorder. Also called: RPGRIP1L-related condition; RPGRIP1L-related disorders. Identifiers: MedGen CN239416.

Submission:

PreventionGenetics, part of Exact Sciences
Classification: Uncertain significance for RPGRIP1L-related condition. Last evaluated: 2024-07-29. Review status: no assertion criteria provided. Collection method: clinical testing. Allele origin: germline.
Comment: The RPGRIP1L c.3083A>G variant is predicted to result in the amino acid substitution p.Asp1028Gly. To our knowledge, this variant has not been reported in the literature or in a large population database, indicating this variant is rare. At this time, the clinical significance of this variant is uncertain due to the absence of conclusive functional and genetic evidence.

NM_015272.5(RPGRIP1L):c.3083A>G (p.Asp1028Gly)

Gene: RPGRIP1L (RPGRIP1 like; minus strand). Cytogenetic location: 16q12.2.
Variant type: single nucleotide variant.
Coding change: c.3083A>G on transcript NM_015272.5 (MANE Select); coding-DNA position 3083, A replaced by G.
Protein change: p.Asp1028Gly; replaces aspartic acid 1028 with glycine.
Molecular consequence: missense variant.
Genome position (GRCh38, 1-based): chr16:53,637,832, T>C on the plus strand (A>G on the coding strand, the complement: RPGRIP1L is on the minus strand). VCF-style: chr16-53637832-T-C. GRCh37 (hg19) VCF-style: chr16-53671744-T-C.
Other names: c.2981A>G, p.Asp994Gly (NM_001127897.4, NM_001330538.2); c.3083A>G, p.Asp1028Gly (NM_001308334.3); short protein forms D1028G, D994G.
Identifiers: ClinVar variation 3356794 (VCV003356794.1).